The following is an entry in ClinVar:

Single allele

Variant type: Deletion.
Identifiers: ClinVar variation 157184 (VCV000157184.2).

ClinVar aggregate classification (germline): not provided (0 of 4 stars; one submission).

Conditions:
Small for gestational age. Also called: Low birth weight. Identifiers: MedGen C0235991, HP:0001518.

Submission:

Institute of Molecular and Cell Biology, University of Tartu
No classification provided. Condition: Small for gestational age. Review status: no classification provided. Collection method: case-control. Allele origin: unknown. Affected: yes. Study: Kasak2014.
Comment: The study aimed to determine the contribution of copy number variants in the genetic etiology of normal and complicated pregnancies. The samples represented (i) maternal blood DNA drawn from healthy pregnant women during 1st or 2nd trimester and (ii) maternal and paternal blood DNA drawn at term pregnancy cases representing normal and complicated gestations (severe preeclampsia, PE; gestational diabetes, GD; small-for-gestational age newborn, SGA; large-for-gestational age newborn, LGA). We performed CNV calling based on genome-wide genotyping dataset (Illumina HumanOmniExpress-24-v1 BeadChip) by applying three algorithms, QuantiSNP, GADA (Genome Alteration Detection Algorithm) and CNstream in parallel. The acquired CNV calls were merged with HD-CNV (Hotspot Detector for Copy Number Variants) program and only the CNVs predicted by at least two programs, were considered in subsequent analysis.

Literature cited by the submitters: PubMed 25666259.